The following is an entry in ClinVar:

NM_001397406.1(FDX2):c.13A>G (p.Met5Val)

Genes: FDX2 (ferredoxin 2; minus strand), FDX2-ZGLP1 (FDX2-ZGLP1 readthrough (NMD candidate); minus strand). Cytogenetic location: 19p13.2.
Variant type: single nucleotide variant.
Coding change: c.13A>G on transcript NM_001397406.1 (MANE Select); coding-DNA position 13, A replaced by G.
Protein change: p.Met5Val; replaces methionine 5 with valine.
Molecular consequence: missense variant.
Genome position (GRCh38, 1-based): chr19:10,315,984, T>C on the plus strand (A>G on the coding strand, the complement: FDX2 is on the minus strand). VCF-style: chr19-10315984-T-C. GRCh37 (hg19) VCF-style: chr19-10426660-T-C.
Other names: c.22A>G, p.Met8Val (NM_001031734.4); c.22A>G (NM_001031734.3); short protein forms M8V, M5V.
Identifiers: ClinVar variation 2171113 (VCV002171113.3), dbSNP rs373162679, ClinGen allele CA9191380.

ClinVar aggregate classification (germline): Conflicting classifications of pathogenicity. Review status: criteria provided, conflicting classifications (1 of 4 stars). 3 submissions from 3 submitters: Uncertain significance (2); Likely benign (1). Last evaluated 2024-10-11.

Allele frequency attached by ClinVar (database versions not stated): TOPMed 0.00002; gnomAD exomes 0.00004; ExAC 0.00007; ESP Exome Variant Server 0.00015.
gnomAD v4.1: 61 of 1,604,364 alleles (0.0038%); highest among the groups gnomAD compares: East Asian, 0.0089%; no homozygotes.

Submissions (3):

Blueprint Genetics
Classification: Likely benign. Last evaluated: 2024-10-11. Review status: criteria provided, single submitter. Criteria: ACMG Guidelines, 2015. Collection method: clinical testing. Allele origin: germline.

GeneDx
Classification: Uncertain significance. Last evaluated: 2024-07-03. Review status: criteria provided, single submitter. Criteria: GeneDx Variant Classification Process June 2021. Collection method: clinical testing. Allele origin: germline. Affected: yes.
Comment: In silico analysis indicates that this missense variant does not alter protein structure/function; Has not been previously published as pathogenic or benign to our knowledge

Labcorp Genetics (formerly Invitae), Labcorp
Classification: Uncertain significance. Last evaluated: 2022-06-04. Review status: criteria provided, single submitter. Criteria: Invitae Variant Classification Sherloc (09022015). Collection method: clinical testing. Allele origin: germline.
Comment: This sequence change replaces methionine, which is neutral and non-polar, with valine, which is neutral and non-polar, at codon 8 of the FDX2 protein (p.Met8Val). This variant is present in population databases (rs373162679, gnomAD 0.02%). This variant has not been reported in the literature in individuals affected with FDX2-related conditions. Algorithms developed to predict the effect of missense changes on protein structure and function output the following: SIFT: "Tolerated"; PolyPhen-2: "Not Available"; Align-GVGD: "Class C0". The valine amino acid residue is found in multiple mammalian species, which suggests that this missense change does not adversely affect protein function. In summary, the available evidence is currently insufficient to determine the role of this variant in disease. Therefore, it has been classified as a Variant of Uncertain Significance.